The following is an entry in ClinVar:

ClinVar aggregate classification (germline): Uncertain significance. Review status: criteria provided, multiple submitters, no conflicts (2 of 4 stars). 2 submissions from 2 submitters: Uncertain significance (2). Last evaluated 2024-12-12.

Conditions:
Inborn genetic diseases. Identifiers: MedGen C0950123, MeSH D030342.

Allele frequency attached by ClinVar (database versions not stated): gnomAD exomes below 0.00001; gnomAD 0.00001.
gnomAD v4.1: 7 of 1,580,680 alleles (0.00044%); highest among the groups gnomAD compares: South Asian, 0.0044%; no homozygotes.

Submissions (2):

Ambry Genetics
Classification: Uncertain significance for Inborn genetic diseases. Last evaluated: 2024-12-12. Review status: criteria provided, single submitter. Criteria: Ambry Variant Classification Scheme 2023. Collection method: clinical testing. Allele origin: germline.

Labcorp Genetics (formerly Invitae), Labcorp
Classification: Uncertain significance. Last evaluated: 2023-03-14. Review status: criteria provided, single submitter. Criteria: Invitae Variant Classification Sherloc (09022015). Collection method: clinical testing. Allele origin: germline.
Comment: This variant is present in population databases (rs755780833, gnomAD 0.007%). This variant has not been reported in the literature in individuals affected with SI-related conditions. Algorithms developed to predict the effect of missense changes on protein structure and function output the following: SIFT: "Not Available"; PolyPhen-2: "Benign"; Align-GVGD: "Not Available". The isoleucine amino acid residue is found in multiple mammalian species, which suggests that this missense change does not adversely affect protein function. In summary, the available evidence is currently insufficient to determine the role of this variant in disease. Therefore, it has been classified as a Variant of Uncertain Significance. This sequence change replaces threonine, which is neutral and polar, with isoleucine, which is neutral and non-polar, at codon 531 of the SI protein (p.Thr531Ile).

NM_001041.4(SI):c.1592C>T (p.Thr531Ile)

Gene: SI (sucrase-isomaltase; minus strand). Cytogenetic location: 3q26.1.
Variant type: single nucleotide variant.
Coding change: c.1592C>T on transcript NM_001041.4 (MANE Select); coding-DNA position 1592, C replaced by T.
Protein change: p.Thr531Ile; replaces threonine 531 with isoleucine.
Molecular consequence: missense variant.
Genome position (GRCh38, 1-based): chr3:165,049,796, G>A on the plus strand (C>T on the coding strand, the complement: SI is on the minus strand). VCF-style: chr3-165049796-G-A. GRCh37 (hg19) VCF-style: chr3-164767584-G-A.
Other names: c.1592C>T (NM_001041.3); short protein forms T531I.
Identifiers: ClinVar variation 2956638 (VCV002956638.4), dbSNP rs755780833, ClinGen allele CA2691017.